The following is an entry in ClinVar:

ClinVar aggregate classification (germline): Uncertain significance (1 of 4 stars; one submission).

Allele frequency attached by ClinVar (database versions not stated): TOPMed 0.00001.
gnomAD v4.1: 1 of 1,604,496 alleles (0.000062%); no homozygotes.

Submission:

Labcorp Genetics (formerly Invitae), Labcorp
Classification: Uncertain significance. Last evaluated: 2023-11-28. Review status: criteria provided, single submitter. Criteria: Invitae Variant Classification Sherloc (09022015). Collection method: clinical testing. Allele origin: germline.
Comment: This sequence change replaces cysteine, which is neutral and slightly polar, with tyrosine, which is neutral and polar, at codon 119 of the RNF43 protein (p.Cys119Tyr). This variant is not present in population databases (gnomAD no frequency). This variant has not been reported in the literature in individuals affected with RNF43-related conditions. An algorithm developed to predict the effect of missense changes on protein structure and function (PolyPhen-2) suggests that this variant is likely to be disruptive. In summary, the available evidence is currently insufficient to determine the role of this variant in disease. Therefore, it has been classified as a Variant of Uncertain Significance.

NM_017763.6(RNF43):c.356G>A (p.Cys119Tyr)

Gene: RNF43 (ring finger protein 43; minus strand). Cytogenetic location: 17q22.
Variant type: single nucleotide variant.
Coding change: c.356G>A on transcript NM_017763.6 (MANE Select); coding-DNA position 356, G replaced by A.
Protein change: p.Cys119Tyr; replaces cysteine 119 with tyrosine.
Molecular consequence: missense variant.
Genome position (GRCh38, 1-based): chr17:58,370,930, C>T on the plus strand (G>A on the coding strand, the complement: RNF43 is on the minus strand). VCF-style: chr17-58370930-C-T. GRCh37 (hg19) VCF-style: chr17-56448291-C-T.
Other names: c.356G>A, p.Cys119Tyr (NM_001305544.3); c.-26G>A (NM_001305545.2); short protein forms C119Y.
Identifiers: ClinVar variation 2884687 (VCV002884687.3), dbSNP rs887525436, ClinGen allele CA292019886.
Genomic context (GRCh38, chr17:58,370,930, plus strand): 5'-GGTGAAGCTCCGGGTGTGTGTAGGGCGAAGTGTGAGTCTACCTTGCTAGCCAGTGACAGG[C>T]AGGGGCGGGGGGCCCGTCGAGGACTCTCCAGCTTGACGATGCTGATGAATCCAGGCTCCA-3'
Protein context (NP_060233.3, residues 109-129): LESPRRAPRP[Cys119Tyr]LSLASKARMA